The following is an entry in ClinVar:

ClinVar aggregate classification (germline): Conflicting classifications of pathogenicity. Review status: criteria provided, conflicting classifications (1 of 4 stars). 5 submissions from 5 submitters: Uncertain significance (3); Likely benign (1). 1 of the submissions does not count toward it. Last evaluated 2024-11-18.

Conditions:
SRP72-related disorder. Also called: SRP72-related condition.
Autosomal dominant aplasia and myelodysplasia. Also called: Bone marrow failure syndrome 1. Identifiers: Orphanet 314399, MedGen C3808553, MONDO:0013851, OMIM 614675.

Allele frequency attached by ClinVar (database versions not stated): ExAC 0.00001; gnomAD 0.00001; gnomAD exomes 0.00001; TOPMed 0.00002.

Submissions (5):

Ambry Genetics
Classification: Uncertain significance. Last evaluated: 2024-11-18. Review status: criteria provided, single submitter. Criteria: Ambry Variant Classification Scheme 2023. Collection method: clinical testing. Allele origin: germline.
Comment: The p.K325E variant (also known as c.973A>G), located in coding exon 10 of the SRP72 gene, results from an A to G substitution at nucleotide position 973. The lysine at codon 325 is replaced by glutamic acid, an amino acid with similar properties. This amino acid position is conserved. In addition, the in silico prediction for this alteration is inconclusive. Based on the available evidence, the clinical significance of this variant remains unclear.

Labcorp Genetics (formerly Invitae), Labcorp
Classification: Uncertain significance. Last evaluated: 2024-10-26. Review status: criteria provided, single submitter. Criteria: Invitae Variant Classification Sherloc (09022015). Collection method: clinical testing. Allele origin: germline.
Comment: This sequence change replaces lysine, which is basic and polar, with glutamic acid, which is acidic and polar, at codon 325 of the SRP72 protein (p.Lys325Glu). This variant is present in population databases (rs763655714, gnomAD 0.003%). This variant has not been reported in the literature in individuals affected with SRP72-related conditions. ClinVar contains an entry for this variant (Variation ID: 349124). Invitae Evidence Modeling of protein sequence and biophysical properties (such as structural, functional, and spatial information, amino acid conservation, physicochemical variation, residue mobility, and thermodynamic stability) indicates that this missense variant is not expected to disrupt SRP72 protein function with a negative predictive value of 80%. In summary, the available evidence is currently insufficient to determine the role of this variant in disease. Therefore, it has been classified as a Variant of Uncertain Significance.

CeGaT Center for Human Genetics Tuebingen
Classification: Likely benign. Last evaluated: 2023-06-01. Review status: criteria provided, single submitter. Criteria: CeGaT Center For Human Genetics Tuebingen Variant Classification Criteria Version 2. Collection method: clinical testing. Allele origin: germline. Affected: yes. Observed: 1 variant allele.
Comment: SRP72: BS1

Illumina Laboratory Services, Illumina
Classification: Uncertain significance for Autosomal dominant aplasia and myelodysplasia. Last evaluated: 2018-01-12. Review status: criteria provided, single submitter. Criteria: ICSL Variant Classification Criteria 13 December 2019. Collection method: clinical testing. Allele origin: germline.

PreventionGenetics, part of Exact Sciences
Classification: Uncertain significance for SRP72-related condition. Last evaluated: 2024-09-07. Review status: no assertion criteria provided. Collection method: clinical testing. Allele origin: germline. Not counted in ClinVar's aggregate classification.
Comment: The SRP72 c.973A>G variant is predicted to result in the amino acid substitution p.Lys325Glu. To our knowledge, this variant has not been reported in the literature. This variant is reported in 0.0029% of alleles in individuals of Latino descent in gnomAD. At this time, the clinical significance of this variant is uncertain due to the absence of conclusive functional and genetic evidence.

NM_006947.4(SRP72):c.973A>G (p.Lys325Glu)

Gene: SRP72 (signal recognition particle 72; plus strand). Cytogenetic location: 4q12.
Variant type: single nucleotide variant.
Coding change: c.973A>G on transcript NM_006947.4 (MANE Select); coding-DNA position 973, A replaced by G.
Protein change: p.Lys325Glu; replaces lysine 325 with glutamic acid.
Molecular consequence: missense variant. On other transcripts: non-coding transcript variant (1).
Genome position (GRCh38, 1-based): chr4:56,484,751, A>G. VCF-style: chr4-56484751-A-G. GRCh37 (hg19) VCF-style: chr4-57350917-A-G.
Other names: c.790A>G, p.Lys264Glu (NM_001267722.2); short protein forms K325E, K264E.
Identifiers: ClinVar variation 349124 (VCV000349124.35), dbSNP rs763655714, ClinGen allele CA2931245.
Genomic context (GRCh38, chr4:56,484,751, plus strand): 5'-TCATTAACCAGTTTATTTTTCTTGTGGGGGTTGGATATCTTCTAGGCTGAACAATGCCGC[A>G]AAATATCTGCCAGTTTACAGTCCCAAAGTCCCGAGCATCTCTTACCTGTGTTAATCCAAG-3'
Protein context (NP_008878.3, residues 315-335): MYTNQAEQCR[Lys325Glu]ISASLQSQSP